The following is an entry in ClinVar:

NM_000488.4(SERPINC1):c.1153+1G>A

Gene: SERPINC1 (serpin family C member 1; minus strand). Cytogenetic location: 1q25.1.
Variant type: single nucleotide variant.
Coding change: c.1153+1G>A on transcript NM_000488.4 (MANE Select); the canonical splice donor site of the intron after coding-DNA position 1153, G replaced by A.
Molecular consequence: splice donor variant.
Genome position (GRCh38, 1-based): chr1:173,909,551, C>T on the plus strand (G>A on the coding strand, the complement: SERPINC1 is on the minus strand). VCF-style: chr1-173909551-C-T. GRCh37 (hg19) VCF-style: chr1-173878689-C-T.
Other names: c.1234+1G>A (NM_001386303.1); c.937+1G>A (NM_001386306.1); c.1132+1G>A (NM_001386304.1); c.1096+1G>A (NM_001386305.1); c.1276+1G>A (NM_001386302.1); c.1009+1G>A (NM_001365052.2).
Identifiers: ClinVar variation 3720259 (VCV003720259.2).

ClinVar aggregate classification (germline): Likely pathogenic (1 of 4 stars; one submission).

Conditions:
Hereditary antithrombin deficiency (AT3D). Also called: Thrombophilia due to antithrombin III deficiency; Reduced antithrombin III activity; Antithrombin III deficiency; Antithrombin deficiency. Identifiers: Orphanet 82, MedGen C0272375, MONDO:0013144, OMIM 613118, HP:0001976.

Submission:

Labcorp Genetics (formerly Invitae), Labcorp
Classification: Likely pathogenic for Hereditary antithrombin deficiency. Last evaluated: 2024-10-31. Review status: criteria provided, single submitter. Criteria: Invitae Variant Classification Sherloc (09022015). Collection method: clinical testing. Allele origin: germline.
Comment: This sequence change affects a donor splice site in intron 5 of the SERPINC1 gene. It is expected to disrupt RNA splicing. Variants that disrupt the donor or acceptor splice site typically lead to a loss of protein function (PMID: 16199547), and loss-of-function variants in SERPINC1 are known to be pathogenic (PMID: 21264449). This variant is not present in population databases (gnomAD no frequency). Disruption of this splice site has been observed in individual(s) with antithrombin deficiency (PMID: 21264449). Algorithms developed to predict the effect of sequence changes on RNA splicing suggest that this variant may disrupt the consensus splice site. In summary, the currently available evidence indicates that the variant is pathogenic, but additional data are needed to prove that conclusively. Therefore, this variant has been classified as Likely Pathogenic.

Literature cited by the submitters: PubMed 16199547; PubMed 21264449.